The following is an entry in ClinVar:

NM_005267.5(GJA8):c.178G>C (p.Gly60Arg)

Gene: GJA8 (gap junction protein alpha 8; plus strand). Cytogenetic location: 1q21.2.
Variant type: single nucleotide variant.
Coding change: c.178G>C on transcript NM_005267.5 (MANE Select); coding-DNA position 178, G replaced by C.
Protein change: p.Gly60Arg; replaces glycine 60 with arginine.
Molecular consequence: missense variant.
Genome position (GRCh38, 1-based): chr1:147,908,133, G>C. VCF-style: chr1-147908133-G-C. GRCh37 (hg19) VCF-style: chr1-147380260-G-C.
Other names: short protein forms G60R.
Identifiers: ClinVar variation 3253720 (VCV003253720.1), dbSNP rs2524889327.
Genomic context (GRCh38, chr1:147,908,133, plus strand): 5'-GCCGCAGAGTTCGTGTGGGGGGATGAGCAATCCGACTTCGTGTGCAACACCCAGCAGCCT[G>C]GCTGCGAGAACGTCTGCTACGACGAGGCCTTTCCCATCTCCCACATTCGCCTCTGGGTGC-3'
Protein context (NP_005258.2, residues 50-70): SDFVCNTQQP[Gly60Arg]CENVCYDEAF

ClinVar aggregate classification (germline): Likely pathogenic (1 of 4 stars; one submission).

Conditions:
Cataract 1 multiple types. Also called: CATARACT, DUFFY-LINKED; CATARACT 1, POSTERIOR SUBCAPSULAR, WITH MICROCORNEA; CATARACT 1, STELLATE NUCLEAR, WITH MICROCORNEA; CATARACT 1, MULTIPLE TYPES, WITH OR WITHOUT MICROCORNEA; CATARACT 1, NUCLEAR PROGRESSIVE; CATARACT 1 WITH MICROCORNEA. Identifiers: Orphanet 1377, MedGen C1861828, MONDO:0007285, OMIM 116200.

Submission:

Dept. Genetics and Cancer, Menzies Institute for Medical Research, University of Tasmania
Classification: Likely pathogenic for Cataract 1 multiple types. Last evaluated: 2023-01-21. Review status: criteria provided, single submitter. Criteria: ACMG Guidelines, 2015. Collection method: curation. Allele origin: germline. Affected: yes.
Comment: Variant identified and curated during a GJA8 specific review of the literature in relation to pediatric or congenital cataract. ACMG-AMP criteria applied: PP1(Moderate), PM1(Supporting), PM2(Supporting), PM5(Supporting), PP3. Original variant report: PMID:32384692. The cataract phenotype reported for this variant is: Lamellar. Gene review and curation guidelines are outlined in: DOI 10.1080/17469899.2023.2160320

Literature cited by the submitters: PubMed 32384692.